The following is an entry in ClinVar:

ClinVar aggregate classification (germline): Uncertain significance (1 of 4 stars; one submission).

Conditions:
Cardiovascular phenotype. Identifiers: MedGen CN230736.

Submission:

Ambry Genetics
Classification: Uncertain significance for Cardiovascular phenotype. Last evaluated: 2026-08-29. Review status: criteria provided, single submitter. Criteria: Ambry Variant Classification Scheme 2023. Collection method: clinical testing. Allele origin: germline.
Comment: The p.A374T variant (also known as c.1120G>A), located in coding exon 9 of the ABCA1 gene, results from a G to A substitution at nucleotide position 1120. The alanine at codon 374 is replaced by threonine, an amino acid with similar properties. This amino acid position is conserved. In addition, the in silico prediction for this alteration is inconclusive. Based on the available evidence, the clinical significance of this variant remains unclear.

NM_005502.4(ABCA1):c.1120G>A (p.Ala374Thr)

Gene: ABCA1 (ATP binding cassette subfamily A member 1; minus strand). Cytogenetic location: 9q31.1.
Variant type: single nucleotide variant.
Coding change: c.1120G>A on transcript NM_005502.4 (MANE Select); coding-DNA position 1120, G replaced by A.
Protein change: p.Ala374Thr; replaces alanine 374 with threonine.
Molecular consequence: missense variant.
Genome position (GRCh38, 1-based): chr9:104,837,502, C>T on the plus strand (G>A on the coding strand, the complement: ABCA1 is on the minus strand). VCF-style: chr9-104837502-C-T. GRCh37 (hg19) VCF-style: chr9-107599783-C-T.
Other names: short protein forms A374T.
Identifiers: ClinVar variation 5033879 (VCV005033879.1).